The following is an entry in ClinVar:

NM_004656.4(BAP1):c.271T>C (p.Cys91Arg)

Gene: BAP1 (BRCA1 associated deubiquitinase 1; minus strand). Cytogenetic location: 3p21.1.
Variant type: single nucleotide variant.
Coding change: c.271T>C on transcript NM_004656.4 (MANE Select); coding-DNA position 271, T replaced by C.
Protein change: p.Cys91Arg; replaces cysteine 91 with arginine.
Molecular consequence: missense variant.
Genome position (GRCh38, 1-based): chr3:52,408,062, A>G on the plus strand (T>C on the coding strand, the complement: BAP1 is on the minus strand). VCF-style: chr3-52408062-A-G. GRCh37 (hg19) VCF-style: chr3-52442078-A-G.
Other names: short protein forms C91R.
Identifiers: ClinVar variation 988095 (VCV000988095.13), dbSNP rs1705222655, ClinGen allele CA353112620.

ClinVar aggregate classification (germline): Conflicting classifications of pathogenicity. Review status: criteria provided, conflicting classifications (1 of 4 stars). 6 submissions from 6 submitters: Pathogenic (3); Uncertain significance (1). 2 of the submissions do not count toward it. Last evaluated 2026-06-30.

Conditions:
Kury-Isidor syndrome (KURIS). Identifiers: MedGen C5676925, MONDO:0859230, OMIM 619762.
Neurodevelopmental disorder. Identifiers: MedGen C1535926, MeSH D065886, MONDO:0700092.
BAP1-related tumor predisposition syndrome (TPDS1). Also called: Tumor susceptibility linked to germline BAP1 mutations; BAP1 tumor predisposition syndrome; COMMON Syndrome; TUMOR PREDISPOSITION SYNDROME 1. Identifiers: Orphanet 289539, MedGen C3280492, MONDO:0013692, OMIM 614327.

Submissions (6):

Undiagnosed Diseases Network, NIH
Classification: Pathogenic for Kury-Isidor syndrome. Last evaluated: 2026-06-30. Review status: criteria provided, single submitter. Criteria: ACMG Guidelines, 2015. Collection method: clinical testing. Allele origin: de novo. Inheritance: Autosomal dominant inheritance. Affected: yes. Observed: 1 variant allele, 1 heterozygote. Study: Undiagnosed Diseases Network (NIH), UDN.

Centre of Medical Genetics, University Hospital Muenster
Classification: Pathogenic. Last evaluated: 2023-12-13. Review status: criteria provided, single submitter. Criteria: ACMG Guidelines, 2015. Collection method: clinical testing. Allele origin: unknown. Affected: yes. Observed: 1 variant allele, 1 heterozygote.
Comment: ACMG categories: PS4,PM1,PM2,PM5,PP3,BP1

Institute of Human Genetics, University of Leipzig Medical Center
Classification: Pathogenic for Kury-Isidor syndrome. Last evaluated: 2023-02-20. Review status: criteria provided, single submitter. Criteria: ACMG Guidelines, 2015. Collection method: clinical testing. Allele origin: de novo. Affected: yes.
Comment: This variant was identified as de novo (maternity and paternity confirmed)._x000D_ Criteria applied: PS2_VSTR, PM5_STR, PS4_MOD, PM2_SUP, PP3

Fulgent Genetics
Classification: Uncertain significance for BAP1-related tumor predisposition syndrome; Kury-Isidor syndrome. Last evaluated: 2021-10-04. Review status: criteria provided, single submitter. Criteria: ACMG Guidelines, 2015. Collection method: clinical testing. Allele origin: unknown.

OMIM
Classification: Pathogenic for KURY-ISIDOR SYNDROME. Last evaluated: 2022-02-24. Review status: no assertion criteria provided. Collection method: literature only. Allele origin: germline. Not counted in ClinVar's aggregate classification.

Laboratory of Molecular Genetics (Pr. Bezieau's lab), CHU de Nantes
Classification: Pathogenic for Neurodevelopmental disorder. Last evaluated: 2021-06-22. Review status: no assertion criteria provided. Collection method: research. Allele origin: de novo. Affected: yes. Not counted in ClinVar's aggregate classification.

Literature cited by the submitters: PubMed 35051358 (cited by 3 submitters).